The following is an entry in ClinVar:

NM_006828.4(ASCC3):c.1902+468T>C

Gene: ASCC3 (activating signal cointegrator 1 complex subunit 3; minus strand). Cytogenetic location: 6q16.3.
Variant type: single nucleotide variant.
Coding change: c.1902+468T>C on transcript NM_006828.4 (MANE Select); 468 bases into the intron after coding-DNA position 1902, T replaced by C.
Molecular consequence: intron variant.
Genome position (GRCh38, 1-based): chr6:100,725,071, A>G on the plus strand (T>C on the coding strand, the complement: ASCC3 is on the minus strand). VCF-style: chr6-100725071-A-G. GRCh37 (hg19) VCF-style: chr6-101172947-A-G.
Other names: c.1902+468T>C (NM_001284271.2).
Identifiers: ClinVar variation 4891067 (VCV004891067.1).

ClinVar aggregate classification (germline): Uncertain significance (1 of 4 stars; one submission).

gnomAD v4.1: 23 of 152,024 alleles (0.015%); highest among the groups gnomAD compares: Non-Finnish European, 0.032%; no homozygotes.

Submission:

Greenwood Genetic Center Diagnostic Laboratories, Greenwood Genetic Center
Classification: Uncertain significance. Last evaluated: 2026-04-01. Review status: criteria provided, single submitter. Criteria: ACMG Guidelines, 2015. Collection method: clinical testing. Allele origin: germline.
Comment: PM2, BP4